The following is an entry in ClinVar:

ClinVar aggregate classification (germline): Likely benign. Review status: reviewed by expert panel (3 of 4 stars). 12 submissions from 11 submitters: Likely benign (1). 11 of the submissions do not count toward it. Last evaluated 2026-04-20.

Conditions:
RYR1-related disorder. Also called: RYR1-related condition; RYR1-related disorders. Identifiers: MedGen CN239331.
Malignant hyperthermia, susceptibility to, 1 (MHS1). Also called: Anesthesia related hyperthermia; Malignant hyperpyrexia; Fulminating hyperpyrexia; Pharmacogenic myopathy; Malignant hyperthermia suceptibility 1; RYR1-Related Malignant Hyperthermia Susceptibility. Identifiers: Orphanet 423, MedGen C2930980, MONDO:0007783, OMIM 145600.
Central core myopathy (CMYO1A). Also called: Central core disease; Myopathy, central fibrillar; CONGENITAL MYOPATHY 1A, AUTOSOMAL DOMINANT, WITH SUSCEPTIBILITY TO MALIGNANT HYPERTHERMIA. Identifiers: Orphanet 597, MedGen C5830701, MONDO:0007294, OMIM 117000.
Congenital myopathy with fiber type disproportion. Also called: Congenital fiber-type disproportion; Congenital fiber-type disproportion myopathy. Identifiers: Orphanet 2020, MedGen C0546264, MONDO:0009711. Inheritance: all.
King Denborough syndrome (KDS). Identifiers: MedGen C1840365, MONDO:0020485, OMIM 619542.
Congenital multicore myopathy with external ophthalmoplegia (CMYO1B). Also called: MULTIMINICORE DISEASE WITH EXTERNAL OPHTHALMOPLEGIA; Minicore myopathy with external ophthalmoplegia; Congenital myopathy 1B, autosomal recessive; Minicore myopathy; MULTICORE MYOPATHY. Identifiers: Orphanet 598, Orphanet 98905, MedGen C1850674, MONDO:0009712, OMIM 255320, HP:0003789.
Malignant hyperthermia of anesthesia. Also called: Anesthesic-triggered malignant hyperthermia. Identifiers: Orphanet 423, MedGen C0024591, MONDO:0018493, HP:0034733.
Distal myopathy. Identifiers: Orphanet 599, MedGen C0751336, MONDO:0018949.

Allele frequency attached by ClinVar (database versions not stated): 1000 Genomes Project 0.00020; ExAC 0.00027; 1000 Genomes Project 30x 0.00031; gnomAD exomes 0.00031; gnomAD 0.00036 and 0.00037; TOPMed 0.00037; ESP Exome Variant Server 0.00062.
gnomAD v4.1: 1,067 of 1,613,464 alleles (0.066%); highest among the groups gnomAD compares: Non-Finnish European, 0.084%; no homozygotes.

Submissions (12):

ClinGen Malignant Hyperthermia Susceptibility Variant Curation Expert Panel, ClinGen
Classification: Likely benign for Malignant hyperthermia of anesthesia. Last evaluated: 2026-04-20. Review status: reviewed by expert panel. Criteria: RYR1-MHS Interpretation Guidelines V2. Collection method: curation. Allele origin: germline. Inheritance: Autosomal dominant inheritance.
Comment: This pathogenicity assessment is relevant only for malignant hyperthermia susceptibility (MHS) inherited in an autosomal dominant pattern. Variants in RYR1 can also cause other myopathies inherited in an autosomal dominant pattern or in an autosomal recessive pattern. Some of these disorders may predispose individuals to malignant hyperthermia. RYR1 variants may also contribute to a malignant hyperthermia reaction in combination with other genetic and non-genetic factors and the clinician needs to consider such factors in making management decisions. This sequence variant predicts a substitution of alanine with threonine at codon 4185 of the RYR1 protein, p.(Ala4185Thr). The maximum allele frequency for this variant among the six major gnomAD populations is NFE: 0.000631, a frequency consistent with pathogenicity for MHS. This variant has been reported in four unrelated individuals who have a personal or family history of a malignant hyperthermia reaction, three of these individuals had a positive in vitro contracture test (IVCT) or caffeine halothane contracture test (CHCT) result (if the proband was unavailable for testing, a positive diagnostic test result in a mutation-positive relative was counted) (PMID: 21455645, 30236257, 31559918, 27555149). However, the high MAF in the NFE population in gnomAD precludes the use of PS4. This variant has been identified in one individual with negative IVCT/CHCT results, BS2_Moderate (personal communication, UK (Leeds) MH Unit). No functional studies were identified for this variant. This variant does not reside in a hotspot for pathogenic variants that contribute to MHS. A REVEL score <0.5 (0.402) supports a benign status for this variant, BP4. This variant has been classified as Likely Benign. Criteria implemented: BS2_Moderate, BP4.

Labcorp Genetics (formerly Invitae), Labcorp
Classification: Likely benign for RYR1-related disorder. Last evaluated: 2026-01-15. Review status: criteria provided, single submitter. Criteria: Invitae Variant Classification Sherloc (09022015). Collection method: clinical testing. Allele origin: germline. Not counted in ClinVar's aggregate classification.

Center for Genomic Medicine, Rigshospitalet, Copenhagen University Hospital
Classification: Uncertain significance. Last evaluated: 2025-12-29. Review status: criteria provided, single submitter. Criteria: ACMG Guidelines, 2015. Collection method: clinical testing. Allele origin: germline. Not counted in ClinVar's aggregate classification.

GeneDx
Classification: Uncertain significance. Last evaluated: 2023-05-31. Review status: criteria provided, single submitter. Criteria: GeneDx Variant Classification Process June 2021. Collection method: clinical testing. Allele origin: germline. Affected: yes. Not counted in ClinVar's aggregate classification.
Comment: Initially reported in an individual with a positive in-vitro contracture test (IVCT) and suspected malignant hyperthermia susceptibility; however, this individual also harbored an additional RYR1 variant and the contribution of A4185T to the phenotype was uncertain (PMID: 21455645); Subsequently, A4185T was reported as a variant of uncertain significance in an individual who likely had a malignant hyperthermia episode during surgery, but an IVCT was not performed (PMID: 27555149); In silico analysis supports that this missense variant does not alter protein structure/function; This variant is associated with the following publications: (PMID: 27452334, 24195946, 22473935, 32236737, 31559918, 34535181, 21455645, 27555149)

Revvity Omics, Revvity
Classification: Uncertain significance. Last evaluated: 2023-03-15. Review status: criteria provided, single submitter. Criteria: ACMG Guidelines, 2015. Collection method: clinical testing. Allele origin: germline. Not counted in ClinVar's aggregate classification.

Color Diagnostics, LLC DBA Color Health
Classification: Likely benign for Malignant hyperthermia, susceptibility to, 1. Last evaluated: 2022-11-16. Review status: criteria provided, single submitter. Criteria: ACMG Guidelines, 2015. Collection method: clinical testing. Allele origin: germline. Not counted in ClinVar's aggregate classification.

Fulgent Genetics
Classification: Uncertain significance for Central core myopathy; Malignant hyperthermia, susceptibility to, 1; Congenital myopathy 4A, autosomal dominant; Congenital multicore myopathy with external ophthalmoplegia; King Denborough syndrome. Last evaluated: 2022-02-02. Review status: criteria provided, single submitter. Criteria: ACMG Guidelines, 2015. Collection method: clinical testing. Allele origin: unknown. Not counted in ClinVar's aggregate classification.

Cambridge Genomics Laboratory, East Genomic Laboratory Hub, NHS Genomic Medicine Service
Classification: Uncertain significance for Distal myopathy. Last evaluated: 2020-01-13. Review status: criteria provided, single submitter. Criteria: ACGS Best Practice Guidelines for Variant Classification in Rare Disease 2020. Collection method: clinical testing. Allele origin: germline. Affected: yes. Observed: 1 variant allele. Not counted in ClinVar's aggregate classification.

Illumina Laboratory Services, Illumina
Classification: Likely benign for Congenital multicore myopathy with external ophthalmoplegia. Last evaluated: 2018-11-02. Review status: criteria provided, single submitter. Criteria: ICSL Variant Classification Criteria 13 December 2019. Collection method: clinical testing. Allele origin: germline. Not counted in ClinVar's aggregate classification.
Comment: This variant was observed as part of a predisposition screen in an ostensibly healthy population. A literature search was performed for the gene, cDNA change, and amino acid change (where applicable). No publications were found based on this search. Allele frequency data from public databases allowed determination this variant is unlikely to cause disease. Therefore, this variant is classified as likely benign.

Illumina Laboratory Services, Illumina
Classification: Likely benign for Malignant hyperthermia, susceptibility to, 1. Last evaluated: 2018-11-02. Review status: criteria provided, single submitter. Criteria: ICSL Variant Classification Criteria 13 December 2019. Collection method: clinical testing. Allele origin: germline. Not counted in ClinVar's aggregate classification.
Comment: This variant was observed as part of a predisposition screen in an ostensibly healthy population. A literature search was performed for the gene, cDNA change, and amino acid change (where applicable). Publications were found based on this search. The evidence from the literature, in combination with allele frequency data from public databases where available, was sufficient to determine this variant is unlikely to cause disease. Therefore, this variant is classified as likely benign.

PreventionGenetics, part of Exact Sciences
Classification: Uncertain significance. Last evaluated: 2017-10-20. Review status: criteria provided, single submitter. Criteria: ACMG Guidelines, 2015. Collection method: clinical testing. Allele origin: germline. Not counted in ClinVar's aggregate classification.

Biesecker Lab/Clinical Genomics Section, National Institutes of Health
Classification: Uncertain significance for Malignant hyperthermia, susceptibility to, 1. Last evaluated: 2013-07-01. Review status: criteria provided, single submitter. Criteria: Gonsalves et al. 2013. Collection method: research. Allele origin: unknown. Observed: 2 variant alleles. Study: ClinSeq. Not counted in ClinVar's aggregate classification.
Comment: The study set was not selected for affection status in relation to any myopathy. Pathogenicity categories were based on literature curation. See Pubmed ID: 24195946 for details.

Literature cited by the submitters: PubMed 23460944 (cited by Illumina Laboratory Services, Illumina); PubMed 24195946 (cited by Illumina Laboratory Services, Illumina); PubMed 21455645 (cited by Illumina Laboratory Services, Illumina).

NM_000540.3(RYR1):c.12553G>A (p.Ala4185Thr)

Gene: RYR1 (ryanodine receptor 1; plus strand). Cytogenetic location: 19q13.2.
Variant type: single nucleotide variant.
Coding change: c.12553G>A on transcript NM_000540.3 (MANE Select); coding-DNA position 12553, G replaced by A.
Protein change: p.Ala4185Thr; replaces alanine 4185 with threonine.
Molecular consequence: missense variant.
Genome position (GRCh38, 1-based): chr19:38,561,383, G>A. VCF-style: chr19-38561383-G-A. GRCh37 (hg19) VCF-style: chr19-39052023-G-A.
Other names: c.12553G>A (NM_000540.2); c.12538G>A, p.Ala4180Thr (NM_001042723.2); short protein forms A4185T, A4180T.
Identifiers: ClinVar variation 224402 (VCV000224402.27), dbSNP rs151119428, ClinGen allele CA059076.